The following is an entry in ClinVar:

ClinVar aggregate classification (germline): Uncertain significance (1 of 4 stars; one submission).

Conditions:
Episodic kinesigenic dyskinesia (EKD). Also called: Paroxysmal kinesigenic dyskinesia. Identifiers: Orphanet 98809, MedGen C1868682, MONDO:0044202.

gnomAD v4.1: 1 of 1,613,944 alleles (0.000062%); highest among the groups gnomAD compares: Non-Finnish European, 0.000085%; no homozygotes.

Submission:

Labcorp Genetics (formerly Invitae), Labcorp
Classification: Uncertain significance for Episodic kinesigenic dyskinesia. Last evaluated: 2023-03-20. Review status: criteria provided, single submitter. Criteria: Invitae Variant Classification Sherloc (09022015). Collection method: clinical testing. Allele origin: germline.
Comment: In summary, the available evidence is currently insufficient to determine the role of this variant in disease. Therefore, it has been classified as a Variant of Uncertain Significance. This sequence change replaces proline, which is neutral and non-polar, with serine, which is neutral and polar, at codon 42 of the PRRT2 protein (p.Pro42Ser). This variant is not present in population databases (gnomAD no frequency). This variant has not been reported in the literature in individuals affected with PRRT2-related conditions. Advanced modeling of protein sequence and biophysical properties (such as structural, functional, and spatial information, amino acid conservation, physicochemical variation, residue mobility, and thermodynamic stability) performed at Invitae indicates that this missense variant is not expected to disrupt PRRT2 protein function.

NM_145239.3(PRRT2):c.124C>T (p.Pro42Ser)

Genes: MVP-DT (MVP divergent transcript; minus strand), PRRT2 (proline rich transmembrane protein 2; plus strand). Cytogenetic location: 16p11.2.
Variant type: single nucleotide variant.
Coding change: c.124C>T on transcript NM_145239.3 (MANE Select); coding-DNA position 124, C replaced by T.
Protein change: p.Pro42Ser; replaces proline 42 with serine.
Molecular consequence: missense variant.
Genome position (GRCh38, 1-based): chr16:29,813,178, C>T. VCF-style: chr16-29813178-C-T. GRCh37 (hg19) VCF-style: chr16-29824499-C-T.
Other names: c.124C>T, p.Pro42Ser (NM_001256442.2, NM_001256443.2); short protein forms P42S.
Identifiers: ClinVar variation 2993599 (VCV002993599.3), dbSNP rs1019859682, ClinGen allele CA280409049.